The following is an entry in ClinVar:

ClinVar aggregate classification (germline): Uncertain significance (1 of 4 stars; one submission).

Conditions:
Intellectual developmental disorder with gastrointestinal difficulties and high pain threshold (JDVS). Also called: JANSEN-DE VRIES SYNDROME. Identifiers: Orphanet 653767, MedGen C4479517, MONDO:0044318, OMIM 617450.

Allele frequency attached by ClinVar (database versions not stated): gnomAD 0.00001.
gnomAD v4.1: 1 of 1,602,184 alleles (0.000062%); highest among the groups gnomAD compares: South Asian, 0.0011%; no homozygotes.

Submission:

Neuberg Centre For Genomic Medicine, NCGM
Classification: Uncertain significance for Intellectual developmental disorder with gastrointestinal difficulties and high pain threshold. Review status: criteria provided, single submitter. Criteria: ACMG Guidelines, 2015. Collection method: clinical testing. Allele origin: germline. Inheritance: Autosomal dominant inheritance. Affected: yes.
Comment: The missense variant c.1015A>G (p.Met339Val) in PPM1D gene has not been reported previously as a pathogenic variant nor as a benign variant, to our knowledge. The variant is novel (not in any individuals) in gnomAD Exomes and 1000 Genomes. The amino acid Methionine at position 339 is changed to a Valine changing protein sequence and it might alter its composition and physico-chemical properties. In silico tools predict the variant to be tolerated. The residue is conserved across species. For these reasons, this variant has been classified as Uncertain Significance.

NM_003620.4(PPM1D):c.1015A>G (p.Met339Val)

Gene: PPM1D (protein phosphatase, Mg2+/Mn2+ dependent 1D; plus strand). Cytogenetic location: 17q23.2.
Variant type: single nucleotide variant.
Coding change: c.1015A>G on transcript NM_003620.4 (MANE Select); coding-DNA position 1015, A replaced by G.
Protein change: p.Met339Val; replaces methionine 339 with valine.
Molecular consequence: missense variant.
Genome position (GRCh38, 1-based): chr17:60,648,080, A>G. VCF-style: chr17-60648080-A-G. GRCh37 (hg19) VCF-style: chr17-58725441-A-G.
Other names: short protein forms M339V.
Identifiers: ClinVar variation 2585384 (VCV002585384.1), dbSNP rs2031280195, ClinGen allele CA400465894.